The following is an entry in ClinVar:

ClinVar aggregate classification (germline): Likely benign. Review status: criteria provided, multiple submitters, no conflicts (2 of 4 stars). 3 submissions from 3 submitters: Likely benign (3). Last evaluated 2025-06-17.

Conditions:
Cardiovascular phenotype. Identifiers: MedGen CN230736.
Hypercholesterolemia, autosomal dominant, type B (FHCL2). Also called: Familial hypercholesterolemia 2; Hyperlipoproteinemia Type IIb; Familial Hypercholesterolemia Type B; APOB-Related Familial Hypercholesterolemia, Autosomal Dominant; APOLIPOPROTEIN B-100, FAMILIAL DEFECTIVE; APOLIPOPROTEIN B-100, FAMILIAL LIGAND-DEFECTIVE. Identifiers: MedGen C1704417, MONDO:0007751, OMIM 144010.
Familial hypobetalipoproteinemia 1. Also called: APOB-Related Familial Hypobetalipoproteinemia; Hypobetalipoproteinemia, normotriglyceridemic; Acanthocytosis with hypobetalipoproteinemia. Identifiers: MedGen C4551990, MONDO:0014252, OMIM 615558.
Familial hypercholesterolemia. Also called: Familial hypercholesterolaemia; Familial hypercholesterolemias. Identifiers: MedGen C0020445, MONDO:0005439.

Allele frequency attached by ClinVar (database versions not stated): TOPMed below 0.00001; gnomAD 0.00001; ESP Exome Variant Server 0.00008.

Submissions (3):

Ambry Genetics
Classification: Likely benign for Cardiovascular phenotype. Last evaluated: 2025-06-17. Review status: criteria provided, single submitter. Criteria: Ambry Variant Classification Scheme 2023. Collection method: clinical testing. Allele origin: germline.

Labcorp Genetics (formerly Invitae), Labcorp
Classification: Likely benign for Familial hypobetalipoproteinemia 1; Hypercholesterolemia, autosomal dominant, type B. Last evaluated: 2025-04-27. Review status: criteria provided, single submitter. Criteria: Invitae Variant Classification Sherloc (09022015). Collection method: clinical testing. Allele origin: germline.

GENinCode PLC
Classification: Likely benign for Familial hypercholesterolemia. Last evaluated: 2023-09-18. Review status: criteria provided, single submitter. Criteria: ACMG Guidelines, 2015. Collection method: clinical testing. Allele origin: germline.
Comment: This is a synonymous (silent) variant that is not predicted by SpliceAI to impact splicing. In addition, it occurs at a nucleotide that is not conserved. Therefore this variant has been classified as Likely Benign (BP4, BP7).

NM_000384.3(APOB):c.10539T>C (p.Ile3513=)

Gene: APOB (apolipoprotein B; minus strand). Cytogenetic location: 2p24.1.
Variant type: single nucleotide variant.
Coding change: c.10539T>C on transcript NM_000384.3 (MANE Select); coding-DNA position 10539, T replaced by C.
Protein change: p.Ile3513=; no amino-acid change (isoleucine 3513 retained).
Molecular consequence: synonymous variant.
Genome position (GRCh38, 1-based): chr2:21,006,329, A>G on the plus strand (T>C on the coding strand, the complement: APOB is on the minus strand). VCF-style: chr2-21006329-A-G. GRCh37 (hg19) VCF-style: chr2-21229201-A-G.
Other names: c.10539T>C (NM_000384.2).
Identifiers: ClinVar variation 1567525 (VCV001567525.10), dbSNP rs145131440, ClinGen allele CA043953.